The following is an entry in ClinVar:

NM_000548.5(TSC2):c.2329C>T (p.His777Tyr)

Gene: TSC2 (TSC complex subunit 2; plus strand). Cytogenetic location: 16p13.3.
Variant type: single nucleotide variant.
Coding change: c.2329C>T on transcript NM_000548.5 (MANE Select); coding-DNA position 2329, C replaced by T.
Protein change: p.His777Tyr; replaces histidine 777 with tyrosine.
Molecular consequence: missense variant.
Genome position (GRCh38, 1-based): chr16:2,072,957, C>T. VCF-style: chr16-2072957-C-T. GRCh37 (hg19) VCF-style: chr16-2122958-C-T.
Other names: c.2329C>T, p.His777Tyr (NM_001077183.3, NM_001114382.3, NM_001363528.2 and 3 more transcripts); c.2218C>T, p.His740Tyr (NM_001318827.2); c.2182C>T, p.His728Tyr (NM_001318829.2); c.1729C>T, p.His577Tyr (NM_001318831.2); c.2362C>T, p.His788Tyr (NM_001318832.2); short protein forms H577Y, H728Y, H740Y, H777Y, H788Y.
Identifiers: ClinVar variation 844104 (VCV000844104.13), dbSNP rs1349953143, ClinGen allele CA394276658.

ClinVar aggregate classification (germline): Uncertain significance. Review status: criteria provided, multiple submitters, no conflicts (2 of 4 stars). 3 submissions from 3 submitters: Uncertain significance (3). Last evaluated 2026-07-01.

Conditions:
Tuberous sclerosis 2 (TSC2). Identifiers: Orphanet 805, MedGen C1860707, MONDO:0013199, OMIM 613254.
Lymphangiomyomatosis (LAM). Also called: Lymphangioleiomyomatosis; Lymphangioleiomyomatosis, somatic. Identifiers: Orphanet 538, MedGen C0751674, MONDO:0011705, OMIM 606690.
Isolated focal cortical dysplasia type II (FCORD2). Also called: CORTICAL DYSPLASIA OF TAYLOR; Focal cortical dysplasia type II. Identifiers: Orphanet 268994, MedGen C1846385, MONDO:0011818, OMIM 607341, HP:0032051.
Hereditary cancer-predisposing syndrome. Also called: Tumor predisposition; Hereditary neoplastic syndrome; Neoplastic Syndromes, Hereditary; Hereditary Cancer Syndrome. Identifiers: Orphanet 140162, MedGen C0027672, MeSH D009386, MONDO:0015356.

Allele frequency attached by ClinVar (database versions not stated): TOPMed below 0.00001; gnomAD exomes below 0.00001.
gnomAD v4.1: 1 of 1,613,560 alleles (0.000062%); highest among the groups gnomAD compares: Non-Finnish European, 0.000085%; no homozygotes.

Submissions (3):

Ambry Genetics
Classification: Uncertain significance for Hereditary cancer-predisposing syndrome. Last evaluated: 2026-07-01. Review status: criteria provided, single submitter. Criteria: Ambry Variant Classification Scheme 2023. Collection method: clinical testing. Allele origin: germline.
Comment: The p.H777Y variant (also known as c.2329C>T), located in coding exon 20 of the TSC2 gene, results from a C to T substitution at nucleotide position 2329. The histidine at codon 777 is replaced by tyrosine, an amino acid with similar properties. This amino acid position is highly conserved in available vertebrate species. In addition, this alteration is predicted to be deleterious by in silico analysis. Based on the available evidence, the clinical significance of this variant remains unclear.

Labcorp Genetics (formerly Invitae), Labcorp
Classification: Uncertain significance for Tuberous sclerosis 2. Last evaluated: 2024-10-05. Review status: criteria provided, single submitter. Criteria: Invitae Variant Classification Sherloc (09022015). Collection method: clinical testing. Allele origin: germline.
Comment: This sequence change replaces histidine, which is basic and polar, with tyrosine, which is neutral and polar, at codon 777 of the TSC2 protein (p.His777Tyr). This variant is not present in population databases (gnomAD no frequency). This variant has not been reported in the literature in individuals affected with TSC2-related conditions. ClinVar contains an entry for this variant (Variation ID: 844104). Invitae Evidence Modeling of protein sequence and biophysical properties (such as structural, functional, and spatial information, amino acid conservation, physicochemical variation, residue mobility, and thermodynamic stability) indicates that this missense variant is not expected to disrupt TSC2 protein function with a negative predictive value of 95%. In summary, the available evidence is currently insufficient to determine the role of this variant in disease. Therefore, it has been classified as a Variant of Uncertain Significance.

Fulgent Genetics
Classification: Uncertain significance for Lymphangiomyomatosis; Isolated focal cortical dysplasia type II; Tuberous sclerosis 2. Last evaluated: 2021-11-30. Review status: criteria provided, single submitter. Criteria: ACMG Guidelines, 2015. Collection method: clinical testing. Allele origin: unknown.